The following is an entry in ClinVar:

ClinVar aggregate classification (germline): Likely pathogenic (1 of 4 stars; one submission).

Conditions:
TMEM126A-related disorder. Also called: TMEM126A-related condition.

Submission:

PreventionGenetics, part of Exact Sciences
Classification: Likely pathogenic for TMEM126A-related condition. Last evaluated: 2025-11-05. Review status: criteria provided, single submitter. Criteria: ACMG Guidelines, 2015. Collection method: clinical testing. Allele origin: germline.
Comment: The TMEM126A c.97G>T variant is predicted to result in premature protein termination (p.Glu33*). To our knowledge, this variant has not been reported in the literature. This variant is absent in a large population database (gnomAD), indicating this variant is rare. Nonsense variants in TMEM126A are an established mechanism of disease. This variant is interpreted as likely pathogenic.

NM_032273.4(TMEM126A):c.97G>T (p.Glu33Ter)

Gene: TMEM126A (transmembrane protein 126A; plus strand). Cytogenetic location: 11q14.1.
Variant type: single nucleotide variant.
Coding change: c.97G>T on transcript NM_032273.4 (MANE Select); coding-DNA position 97, G replaced by T.
Protein change: p.Glu33Ter; replaces glutamic acid 33 with a stop codon.
Molecular consequence: nonsense. On other transcripts: 5 prime UTR variant (1).
Genome position (GRCh38, 1-based): chr11:85,654,073, G>T. VCF-style: chr11-85654073-G-T. GRCh37 (hg19) VCF-style: chr11-85365117-G-T.
Other names: c.-114G>T (NM_001244735.2); short protein forms E33*.
Identifiers: ClinVar variation 4991157 (VCV004991157.1).